The following is an entry in ClinVar:

ClinVar aggregate classification (germline): Uncertain significance. Review status: criteria provided, single submitter (1 of 4 stars). 2 submissions from 2 submitters: Uncertain significance (1). 1 of the submissions does not count toward it. Last evaluated 2024-06-11.

Conditions:
Pseudohypoparathyroidism type 1B (PHP1B). Also called: PHP IB; Pseudohypoparathyroidism Ib (PHP-Ib); Pseudohypoparathyroidism Type IB. Identifiers: Orphanet 94089, MedGen C1864100, MONDO:0011301, OMIM 603233.

Allele frequency attached by ClinVar (database versions not stated): ExAC 0.00002; gnomAD 0.00003; gnomAD exomes 0.00003; TOPMed 0.00003.
gnomAD v4.1: 21 of 1,613,778 alleles (0.0013%); highest among the groups gnomAD compares: Admixed American, 0.013%; no homozygotes.

Submissions (2):

Fulgent Genetics
Classification: Uncertain significance for Pseudohypoparathyroidism type 1B. Last evaluated: 2024-06-11. Review status: criteria provided, single submitter. Criteria: ACMG Guidelines, 2015. Collection method: clinical testing. Allele origin: germline.

Department of Pathology and Laboratory Medicine, Sinai Health System
Classification: Uncertain significance. Review status: no assertion criteria provided. Collection method: clinical testing. Allele origin: unknown. Affected: yes. Study: The Canadian Open Genetics Repository (COGR). Not counted in ClinVar's aggregate classification.
Comment: The STX16 p.Asp168Asn variant was not identified in the literature nor was it identified in ClinVar, Cosmic, or LOVD 3.0. The variant was identified in dbSNP (ID: rs781763936) and in control databases in 7 of 251246 chromosomes at a frequency of 0.000028 (Genome Aggregation Database Feb 27, 2017). The variant was observed in the following populations: Latino in 5 of 34552 chromosomes (freq: 0.000145) and European (non-Finnish) in 2 of 113612 chromosomes (freq: 0.000018); it was not observed in the African, Ashkenazi Jewish, East Asian, European (Finnish), Other or South Asian populations. The p.Asp168 residue is conserved in mammals but not in more distantly related organisms however four out of five computational analyses (PolyPhen-2, SIFT, AlignGVGD, BLOSUM) do not suggest a high likelihood of impact to the protein; this information is not predictive enough to rule out pathogenicity. The variant occurs outside of the splicing consensus sequence and three of four in silico or computational prediction software programs (SpliceSiteFinder, MaxEntScan, GeneSplicer) do not predict a greater than 10% difference in splicing. In summary, based on the above information the clinical significance of this variant cannot be determined with certainty at this time. This variant is classified as a variant of uncertain significance.

NM_001001433.3(STX16):c.661G>A (p.Asp221Asn)

Genes: STX16 (syntaxin 16; plus strand), STX16-NPEPL1 (STX16-NPEPL1 readthrough (NMD candidate); plus strand). Cytogenetic location: 20q13.32.
Variant type: single nucleotide variant.
Coding change: c.661G>A on transcript NM_001001433.3 (MANE Select); coding-DNA position 661, G replaced by A.
Protein change: p.Asp221Asn; replaces aspartic acid 221 with asparagine.
Molecular consequence: missense variant. On other transcripts: non-coding transcript variant (4).
Genome position (GRCh38, 1-based): chr20:58,671,166, G>A. VCF-style: chr20-58671166-G-A. GRCh37 (hg19) VCF-style: chr20-57246222-G-A.
Other names: c.649G>A, p.Asp217Asn (NM_001134772.3); c.610G>A, p.Asp204Asn (NM_001134773.3); c.502G>A, p.Asp168Asn (NM_001204868.2); c.598G>A, p.Asp200Asn (NM_003763.6); short protein forms D168N, D200N, D204N, D217N, D221N.
Identifiers: ClinVar variation 1049781 (VCV001049781.2), dbSNP rs781763936, ClinGen allele CA9925398.